The following is an entry in ClinVar:

NM_005188.4(CBL):c.1706C>T (p.Pro569Leu)

Gene: CBL (Cbl proto-oncogene; plus strand). Cytogenetic location: 11q23.3.
Variant type: single nucleotide variant.
Coding change: c.1706C>T on transcript NM_005188.4 (MANE Select); coding-DNA position 1706, C replaced by T.
Protein change: p.Pro569Leu; replaces proline 569 with leucine.
Molecular consequence: missense variant.
Genome position (GRCh38, 1-based): chr11:119,285,331, C>T. VCF-style: chr11-119285331-C-T. GRCh37 (hg19) VCF-style: chr11-119156041-C-T.
Other names: short protein forms P569L.
Identifiers: ClinVar variation 4868289 (VCV004868289.1).
Genomic context (GRCh38, chr11:119,285,331, plus strand): 5'-ACCGGCCATATTCTGTTGGAGCAGAATCCCGACCTCAAAGACGCCCCTTGCCTTGTACAC[C>T]AGGCGACTGTCCCTCCAGAGACAAACTGCCCCCTGTCCCCTCTAGCCGCCTTGGAGACTC-3'
Protein context (NP_005179.2, residues 559-579): RPQRRPLPCT[Pro569Leu]GDCPSRDKLP

ClinVar aggregate classification (germline): Uncertain significance (1 of 4 stars; one submission).

Conditions:
Cardiovascular phenotype. Identifiers: MedGen CN230736.

Submission:

Ambry Genetics
Classification: Uncertain significance for Cardiovascular phenotype. Last evaluated: 2026-06-13. Review status: criteria provided, single submitter. Criteria: Ambry Variant Classification Scheme 2023. Collection method: clinical testing. Allele origin: germline.
Comment: The p.P569L variant (also known as c.1706C>T), located in coding exon 11 of the CBL gene, results from a C to T substitution at nucleotide position 1706. The proline at codon 569 is replaced by leucine, an amino acid with similar properties. This amino acid position is conserved. In addition, the in silico prediction for this alteration is inconclusive. Based on the available evidence, the clinical significance of this variant remains unclear.